The following is an entry in ClinVar:

NM_153700.2(STRC):c.2640G>T (p.Glu880Asp)

Gene: STRC (stereocilin; minus strand). Cytogenetic location: 15q15.3.
Variant type: single nucleotide variant.
Coding change: c.2640G>T on transcript NM_153700.2 (MANE Select); coding-DNA position 2640, G replaced by T.
Protein change: p.Glu880Asp; replaces glutamic acid 880 with aspartic acid.
Molecular consequence: missense variant.
Genome position (GRCh38, 1-based): chr15:43,613,072, C>A on the plus strand (G>T on the coding strand, the complement: STRC is on the minus strand). VCF-style: chr15-43613072-C-A. GRCh37 (hg19) VCF-style: chr15-43905270-C-A.
Other names: p.Glu880Asp; short protein forms E880D.
Identifiers: ClinVar variation 805528 (VCV000805528.8), dbSNP rs1342864499, ClinGen allele CA392178258.

ClinVar aggregate classification (germline): Conflicting classifications of pathogenicity. Review status: criteria provided, conflicting classifications (1 of 4 stars). 4 submissions from 4 submitters: Uncertain significance (2); Likely benign (1). 1 of the submissions does not count toward it. Last evaluated 2025-08-14.

Conditions:
STRC-related disorder. Also called: STRC-related condition.

Allele frequency attached by ClinVar (database versions not stated): gnomAD 0.00017.

Submissions (4):

Mayo Clinic Laboratories, Mayo Clinic
Classification: Uncertain significance. Last evaluated: 2025-08-14. Review status: criteria provided, single submitter. Criteria: ACMG Guidelines, 2015. Collection method: clinical testing. Allele origin: germline. Observed: 2 variant alleles.
Comment: BS1_supporting

Laboratory for Molecular Medicine, Mass General Brigham Personalized Medicine
Classification: Uncertain significance. Last evaluated: 2021-03-15. Review status: criteria provided, single submitter. Criteria: LMM Criteria. Collection method: clinical testing. Allele origin: germline. Observed: 1 variant allele.
Comment: The p.Glu880Asp variant in STRC has been reported in 2 individuals with sensorineural hearing loss; however, neither had a second disease-associated variant identified, so the contribution of this variant to their hearing loss is uncertain (Francey 2012 PMID: 22147502, Vona 2015 PMID: 26011646). Data from large population studies is insufficient to assess the frequency of this variant. This variant has also been reported in ClinVar (Variation ID 805528). Computational prediction tools and conservation analyses do not provide strong support for or against an impact to the protein. In summary, the clinical significance of this variant is uncertain. ACMG/AMP Criteria applied: none applicable.

Athena Diagnostics
Classification: Likely benign. Last evaluated: 2019-02-13. Review status: criteria provided, single submitter. Criteria: Athena Diagnostics Criteria. Collection method: clinical testing. Allele origin: germline.

PreventionGenetics, part of Exact Sciences
Classification: Uncertain significance for STRC-related condition. Last evaluated: 2024-08-29. Review status: no assertion criteria provided. Collection method: clinical testing. Allele origin: germline. Not counted in ClinVar's aggregate classification.
Comment: The STRC c.2640G>T variant is predicted to result in the amino acid substitution p.Glu880Asp. This variant was reported in the heterozygous state without a second potentially pathogenic variant in two patients with non-syndromic hearing loss (Francey et al. 2012. PubMed ID: 22147502; Vona et al. 2014. PubMed ID: 26011646). This variant is reported in 0.19% of alleles in individuals of European (Non-Finnish) descent in gnomAD, although allele frequency data may be unreliable due to paralogy at this locus. At this time, the clinical significance of this variant is uncertain due to the absence of conclusive functional and genetic evidence.

Literature cited by the submitters: PubMed 22147502 (cited by 3 submitters); PubMed 26011646 (cited by 3 submitters); PubMed 31053783 (cited by Mayo Clinic Laboratories, Mayo Clinic).